The following is an entry in ClinVar:

ClinVar aggregate classification (germline): Uncertain significance. Review status: criteria provided, multiple submitters, no conflicts (2 of 4 stars). 5 submissions from 5 submitters: Uncertain significance (5). Last evaluated 2026-02-27.

Conditions:
Inborn genetic diseases. Identifiers: MedGen C0950123, MeSH D030342.
Microcephaly 5, primary, autosomal recessive (MCPH5). Also called: ASPM Primary Microcephaly. Identifiers: Orphanet 2512, MedGen C1837501, MONDO:0012106, OMIM 608716.

Allele frequency attached by ClinVar (database versions not stated): ESP Exome Variant Server 0.00008; ExAC 0.00011; gnomAD exomes 0.00011.
gnomAD v4.1: 126 of 1,614,028 alleles (0.0078%); highest among the groups gnomAD compares: East Asian, 0.076%; no homozygotes.

Submissions (5):

Foundation for Research in Genetics and Endocrinology, FRIGE's Institute of Human Genetics
Classification: Uncertain significance for Microcephaly 5, primary, autosomal recessive. Last evaluated: 2026-02-27. Review status: criteria provided, single submitter. Criteria: ACMG Guidelines, 2015. Collection method: clinical testing. Allele origin: germline. Inheritance: Autosomal recessive inheritance. Affected: yes. Observed: 1 variant allele, 1 homozygote.
Comment: A homozygous missense variant in exon 6 of the ASPM gene that results in the amino acid substitution of Glutamine for Arginine at codon 759 (p.Arg759Gln) was detected. The observed variant has not been reported in the 1000 genomes databases and has a minor allele frequency of 0.010%, 0.011% and 0.016% in the gnomAD (v3.1), gnomAD (v2.1) and topmed databases respectively. The reference codon is conserved across species. In summary, the variant meets our criteria to be classified as variant of uncertain significance.

Labcorp Genetics (formerly Invitae), Labcorp
Classification: Uncertain significance. Last evaluated: 2025-10-21. Review status: criteria provided, single submitter. Criteria: Invitae Variant Classification Sherloc (09022015). Collection method: clinical testing. Allele origin: germline.
Comment: This sequence change replaces arginine, which is basic and polar, with glutamine, which is neutral and polar, at codon 759 of the ASPM protein (p.Arg759Gln). This variant is present in population databases (rs375901171, gnomAD 0.07%). This variant has not been reported in the literature in individuals affected with ASPM-related conditions. ClinVar contains an entry for this variant (Variation ID: 1497134). Invitae Evidence Modeling of protein sequence and biophysical properties (such as structural, functional, and spatial information, amino acid conservation, physicochemical variation, residue mobility, and thermodynamic stability) indicates that this missense variant is not expected to disrupt ASPM protein function with a negative predictive value of 80%. In summary, the available evidence is currently insufficient to determine the role of this variant in disease. Therefore, it has been classified as a Variant of Uncertain Significance.

Ambry Genetics
Classification: Uncertain significance for Inborn genetic diseases. Last evaluated: 2025-04-15. Review status: criteria provided, single submitter. Criteria: Ambry Variant Classification Scheme 2023. Collection method: clinical testing. Allele origin: germline.

Blueprint Genetics
Classification: Uncertain significance. Last evaluated: 2024-11-26. Review status: criteria provided, single submitter. Criteria: ACMG Guidelines, 2015. Collection method: clinical testing. Allele origin: germline.

Women's Health and Genetics/Laboratory Corporation of America, LabCorp
Classification: Uncertain significance. Last evaluated: 2024-10-28. Review status: criteria provided, single submitter. Criteria: LabCorp Variant Classification Summary - May 2015. Collection method: clinical testing. Allele origin: germline.
Comment: Variant summary: ASPM c.2276G>A (p.Arg759Gln) results in a conservative amino acid change in the encoded protein sequence. Three of five in-silico tools predict a benign effect of the variant on protein function. The variant allele was found at a frequency of 0.00011 in 251352 control chromosomes. This frequency is not significantly higher than estimated for a pathogenic variant in ASPM causing Primary microcephaly, allowing no conclusion about variant significance. To our knowledge, no occurrence of c.2276G>A in individuals affected with Primary microcephaly and no experimental evidence demonstrating its impact on protein function have been reported. ClinVar contains an entry for this variant (Variation ID: 1497134). Based on the evidence outlined above, the variant was classified as uncertain significance.

NM_018136.5(ASPM):c.2276G>A (p.Arg759Gln)

Gene: ASPM (assembly factor for spindle microtubules; minus strand). Cytogenetic location: 1q31.3.
Variant type: single nucleotide variant.
Coding change: c.2276G>A on transcript NM_018136.5 (MANE Select); coding-DNA position 2276, G replaced by A.
Protein change: p.Arg759Gln; replaces arginine 759 with glutamine.
Molecular consequence: missense variant.
Genome position (GRCh38, 1-based): chr1:197,133,493, C>T on the plus strand (G>A on the coding strand, the complement: ASPM is on the minus strand). VCF-style: chr1-197133493-C-T. GRCh37 (hg19) VCF-style: chr1-197102623-C-T.
Other names: p.Arg759Gln; c.2276G>A, p.Arg759Gln (NM_001206846.2); c.2276G>A (NM_018136.4); short protein forms R759Q.
Identifiers: ClinVar variation 1497134 (VCV001497134.10), dbSNP rs375901171, ClinGen allele CA1310502.